The following is an entry in ClinVar:

NM_000836.4(GRIN2D):c.1064A>T (p.His355Leu)

Gene: GRIN2D (glutamate ionotropic receptor NMDA type subunit 2D; plus strand). Cytogenetic location: 19q13.33.
Variant type: single nucleotide variant.
Coding change: c.1064A>T on transcript NM_000836.4 (MANE Select); coding-DNA position 1064, A replaced by T.
Protein change: p.His355Leu; replaces histidine 355 with leucine.
Molecular consequence: missense variant.
Genome position (GRCh38, 1-based): chr19:48,405,332, A>T. VCF-style: chr19-48405332-A-T. GRCh37 (hg19) VCF-style: chr19-48908589-A-T.
Other names: short protein forms H355L.
Identifiers: ClinVar variation 2101824 (VCV002101824.4), dbSNP rs765547867, ClinGen allele CA406693438.

ClinVar aggregate classification (germline): Uncertain significance (1 of 4 stars; one submission).

gnomAD v4.1: 6 of 1,590,642 alleles (0.00038%); highest among the groups gnomAD compares: Non-Finnish European, 0.00051%; no homozygotes.

Submission:

Labcorp Genetics (formerly Invitae), Labcorp
Classification: Uncertain significance. Last evaluated: 2023-07-27. Review status: criteria provided, single submitter. Criteria: Invitae Variant Classification Sherloc (09022015). Collection method: clinical testing. Allele origin: germline.
Comment: In summary, the available evidence is currently insufficient to determine the role of this variant in disease. Therefore, it has been classified as a Variant of Uncertain Significance. Advanced modeling of protein sequence and biophysical properties (such as structural, functional, and spatial information, amino acid conservation, physicochemical variation, residue mobility, and thermodynamic stability) performed at Invitae indicates that this missense variant is not expected to disrupt GRIN2D protein function. ClinVar contains an entry for this variant (Variation ID: 2101824). This variant has not been reported in the literature in individuals affected with GRIN2D-related conditions. This variant is present in population databases (no rsID available, gnomAD 0.001%). This sequence change replaces histidine, which is basic and polar, with leucine, which is neutral and non-polar, at codon 355 of the GRIN2D protein (p.His355Leu).